The following is an entry in ClinVar:

NM_173495.3(PTCHD1):c.527C>A (p.Pro176Gln)

Gene: PTCHD1 (patched domain containing 1; plus strand). Cytogenetic location: Xp22.11.
Variant type: single nucleotide variant.
Coding change: c.527C>A on transcript NM_173495.3 (MANE Select); coding-DNA position 527, C replaced by A.
Protein change: p.Pro176Gln; replaces proline 176 with glutamine.
Molecular consequence: missense variant.
Genome position (GRCh38, 1-based): chrX:23,379,766, C>A. VCF-style: chrX-23379766-C-A. GRCh37 (hg19) VCF-style: chrX-23397883-C-A.
Other names: short protein forms P176Q.
Identifiers: ClinVar variation 3900221 (VCV003900221.1).

ClinVar aggregate classification (germline): Uncertain significance (1 of 4 stars; one submission).

Submission:

GeneDx
Classification: Uncertain significance. Last evaluated: 2024-11-20. Review status: criteria provided, single submitter. Criteria: GeneDx Variant Classification Process June 2021. Collection method: clinical testing. Allele origin: germline. Affected: yes.
Comment: Not observed at significant frequency in large population cohorts (gnomAD); In silico analysis supports that this missense variant has a deleterious effect on protein structure/function; Has not been previously published as pathogenic or benign to our knowledge